The following is an entry in ClinVar:

ClinVar aggregate classification (germline): Pathogenic/Likely pathogenic. Review status: criteria provided, multiple submitters, no conflicts (2 of 4 stars). 3 submissions from 3 submitters: Pathogenic (2); Likely pathogenic (1). Last evaluated 2022-02-03.

Conditions:
Deficiency of alpha-mannosidase (MANSA). Also called: Mannosidosis, alpha-, types I and II; LYSOSOMAL ALPHA-D-MANNOSIDASE DEFICIENCY; Alpha-Mannosidosis. Identifiers: Orphanet 61, MedGen C0024748, MONDO:0009561, OMIM 248500.

gnomAD v4.1: 1 of 1,614,128 alleles (0.000062%); highest among the groups gnomAD compares: Non-Finnish European, 0.000085%; no homozygotes.

Submissions (3):

Labcorp Genetics (formerly Invitae), Labcorp
Classification: Pathogenic for Deficiency of alpha-mannosidase. Last evaluated: 2022-02-03. Review status: criteria provided, single submitter. Criteria: Invitae Variant Classification Sherloc (09022015). Collection method: clinical testing. Allele origin: germline.
Comment: For these reasons, this variant has been classified as Pathogenic. ClinVar contains an entry for this variant (Variation ID: 837291). This variant has not been reported in the literature in individuals affected with MAN2B1-related conditions. This variant is not present in population databases (gnomAD no frequency). This sequence change creates a premature translational stop signal (p.Glu652*) in the MAN2B1 gene. It is expected to result in an absent or disrupted protein product. Loss-of-function variants in MAN2B1 are known to be pathogenic (PMID: 9915946, 22161967).

Genome-Nilou Lab
Classification: Pathogenic for Deficiency of alpha-mannosidase. Last evaluated: 2021-09-05. Review status: criteria provided, single submitter. Criteria: ACMG Guidelines, 2015. Collection method: clinical testing. Allele origin: germline. Affected: no.

Myriad Genetics, Inc.
Classification: Likely pathogenic for Deficiency of alpha-mannosidase. Last evaluated: 2019-12-25. Review status: criteria provided, single submitter. Criteria: Myriad Women's Health Autosomal Recessive and X-Linked Classification Criteria (2019). Collection method: clinical testing. Allele origin: unknown.
Comment: NM_000528.3(MAN2B1):c.1954G>T(E652*) is expected to be pathogenic in the context of alpha-mannosidosis. This variant is predicted to lead to an abnormal or absent protein product due to the creation of a premature termination codon in MAN2B1, a gene where loss-of-function variants are known to be pathogenic. Please note: this variant was assessed in the context of healthy population screening.

Literature cited by the submitters: PubMed 9915946 (cited by Labcorp Genetics (formerly Invitae), Labcorp); PubMed 22161967 (cited by Labcorp Genetics (formerly Invitae), Labcorp).

NM_000528.4(MAN2B1):c.1954G>T (p.Glu652Ter)

Gene: MAN2B1 (mannosidase alpha class 2B member 1; minus strand). Cytogenetic location: 19p13.13.
Variant type: single nucleotide variant.
Coding change: c.1954G>T on transcript NM_000528.4 (MANE Select); coding-DNA position 1954, G replaced by T.
Protein change: p.Glu652Ter; replaces glutamic acid 652 with a stop codon.
Molecular consequence: nonsense.
Genome position (GRCh38, 1-based): chr19:12,652,245, C>A on the plus strand (G>T on the coding strand, the complement: MAN2B1 is on the minus strand). VCF-style: chr19-12652245-C-A. GRCh37 (hg19) VCF-style: chr19-12763059-C-A.
Other names: c.1951G>T, p.Glu651Ter (NM_001173498.2); short protein forms E651*, E652*.
Identifiers: ClinVar variation 837291 (VCV000837291.12), dbSNP rs756680048, ClinGen allele CA404244291.